The following is an entry in ClinVar:

ClinVar aggregate classification (germline): Uncertain significance (1 of 4 stars; one submission).

Submission:

Labcorp Genetics (formerly Invitae), Labcorp
Classification: Uncertain significance. Last evaluated: 2025-05-05. Review status: criteria provided, single submitter. Criteria: Invitae Variant Classification Sherloc (09022015). Collection method: clinical testing. Allele origin: germline.
Comment: This sequence change replaces aspartic acid, which is acidic and polar, with glycine, which is neutral and non-polar, at codon 251 of the POLA1 protein (p.Asp251Gly). This variant is not present in population databases (gnomAD no frequency). This variant has not been reported in the literature in individuals affected with POLA1-related conditions. ClinVar contains an entry for this variant (Variation ID: 1367279). Invitae Evidence Modeling of protein sequence and biophysical properties (such as structural, functional, and spatial information, amino acid conservation, physicochemical variation, residue mobility, and thermodynamic stability) indicates that this missense variant is not expected to disrupt POLA1 protein function with a negative predictive value of 80%. In summary, the available evidence is currently insufficient to determine the role of this variant in disease. Therefore, it has been classified as a Variant of Uncertain Significance.

NM_001330360.2(POLA1):c.770A>G (p.Asp257Gly)

Gene: POLA1 (DNA polymerase alpha 1, catalytic subunit; plus strand). Cytogenetic location: Xp22.11.
Variant type: single nucleotide variant.
Coding change: c.770A>G on transcript NM_001330360.2 (MANE Select); coding-DNA position 770, A replaced by G.
Protein change: p.Asp257Gly; replaces aspartic acid 257 with glycine.
Molecular consequence: missense variant. On other transcripts: non-coding transcript variant (2).
Genome position (GRCh38, 1-based): chrX:24,717,353, A>G. VCF-style: chrX-24717353-A-G. GRCh37 (hg19) VCF-style: chrX-24735470-A-G.
Other names: c.770A>G, p.Asp257Gly (NM_001378303.1); c.752A>G, p.Asp251Gly (NM_016937.4); short protein forms D251G, D257G.
Identifiers: ClinVar variation 1367279 (VCV001367279.8), dbSNP rs2148346169, ClinGen allele CA412530010.